The following is an entry in ClinVar:

NM_182961.4(SYNE1):c.11196T>C (p.Ala3732=)

Gene: SYNE1 (spectrin repeat containing nuclear envelope protein 1; minus strand). Cytogenetic location: 6q25.2.
Variant type: single nucleotide variant.
Coding change: c.11196T>C on transcript NM_182961.4 (MANE Select); coding-DNA position 11196, T replaced by C.
Protein change: p.Ala3732=; no amino-acid change (alanine 3732 retained).
Molecular consequence: synonymous variant.
Genome position (GRCh38, 1-based): chr6:152,353,320, A>G on the plus strand (T>C on the coding strand, the complement: SYNE1 is on the minus strand). VCF-style: chr6-152353320-A-G. GRCh37 (hg19) VCF-style: chr6-152674455-A-G.
Other names: p.Ala3717=; c.11151T>C, p.Ala3717= (NM_033071.5).
Identifiers: ClinVar variation 285186 (VCV000285186.29), dbSNP rs138528119, ClinGen allele CA4056758.

ClinVar aggregate classification (germline): Benign/Likely benign. Review status: criteria provided, multiple submitters, no conflicts (2 of 4 stars). 7 submissions from 6 submitters: Benign (5); Likely benign (2). Last evaluated 2026-01-29.

Conditions:
Emery-Dreifuss muscular dystrophy 4, autosomal dominant (EDMD4). Also called: EMERY-DREIFUSS MUSCULAR DYSTROPHY 4 WITH VARIABLE FEATURES. Identifiers: Orphanet 261, MedGen C2751807, MONDO:0013071, OMIM 612998.
Autosomal recessive ataxia, Beauce type. Also called: SYNE1 Deficiency; SYNE1-Related Autosomal Recessive Cerebellar Ataxia; ATAXIA, RECESSIVE, OF BEAUCE; Spinocerebellar ataxia, autosomal recessive 8. Identifiers: Orphanet 88644, MedGen C1853116, MONDO:0012549, OMIM 610743.

Allele frequency attached by ClinVar (database versions not stated): ESP Exome Variant Server 0.00008; gnomAD exomes 0.00051 and 0.00183; gnomAD 0.00081 and 0.00109; TOPMed 0.00116; ExAC 0.00168; 1000 Genomes Project 30x 0.00406; 1000 Genomes Project 0.00459.
gnomAD v4.1: 1,016 of 1,614,208 alleles (0.063%); highest among the groups gnomAD compares: East Asian, 1.5%; 8 homozygotes.

Submissions (7):

Labcorp Genetics (formerly Invitae), Labcorp
Classification: Benign for Emery-Dreifuss muscular dystrophy 4, autosomal dominant; Autosomal recessive ataxia, Beauce type. Last evaluated: 2026-01-29. Review status: criteria provided, single submitter. Criteria: Invitae Variant Classification Sherloc (09022015). Collection method: clinical testing. Allele origin: germline.

CeGaT Center for Human Genetics Tuebingen
Classification: Likely benign. Last evaluated: 2025-11-01. Review status: criteria provided, single submitter. Criteria: CeGaT Center For Human Genetics Tuebingen Variant Classification Criteria Version 2. Collection method: clinical testing. Allele origin: germline. Affected: yes. Observed: 1 variant allele.
Comment: SYNE1: BP4, BP7, BS1

Mayo Clinic Laboratories, Mayo Clinic
Classification: Benign. Last evaluated: 2023-06-22. Review status: criteria provided, single submitter. Criteria: ACMG Guidelines, 2015. Collection method: clinical testing. Allele origin: germline. Observed: 2 variant alleles.
Comment: BA1, BP4, BP7

GeneDx
Classification: Likely benign. Last evaluated: 2021-04-16. Review status: criteria provided, single submitter. Criteria: GeneDx Variant Classification Process June 2021. Collection method: clinical testing. Allele origin: germline. Affected: yes.

Illumina Laboratory Services, Illumina
Classification: Benign for Emery-Dreifuss muscular dystrophy 4, autosomal dominant. Last evaluated: 2018-01-13. Review status: criteria provided, single submitter. Criteria: ICSL Variant Classification Criteria 13 December 2019. Collection method: clinical testing. Allele origin: germline.
Comment: This variant was observed in the ICSL laboratory as part of a predisposition screen in an ostensibly healthy population. It had not been previously curated by ICSL or reported in the Human Gene Mutation Database (HGMD: prior to June 1st, 2018), and was therefore a candidate for classification through an automated scoring system. Utilizing variant allele frequency, disease prevalence and penetrance estimates, and inheritance mode, an automated score was calculated to assess if this variant is too frequent to cause the disease. Based on the score and internal cut-off values, a variant classified as benign is not then subjected to further curation. The score for this variant resulted in a classification of benign for this disease.

Illumina Laboratory Services, Illumina
Classification: Benign for Autosomal recessive ataxia, Beauce type. Last evaluated: 2018-01-13. Review status: criteria provided, single submitter. Criteria: ICSL Variant Classification Criteria 13 December 2019. Collection method: clinical testing. Allele origin: germline.
Comment: the same text as in the submission from Illumina Laboratory Services, Illumina above.

Eurofins Ntd Llc (ga)
Classification: Benign. Last evaluated: 2016-01-18. Review status: criteria provided, single submitter. Criteria: EGL Classification Definitions 2015. Collection method: clinical testing. Allele origin: germline. Observed: 2 variant alleles, 2 heterozygotes.